The following is an entry in ClinVar:

NM_207189.4(BRDT):c.2383C>T (p.Gln795Ter)

Gene: BRDT (bromodomain testis associated; plus strand). Cytogenetic location: 1p22.1.
Variant type: single nucleotide variant.
Coding change: c.2383C>T on transcript NM_207189.4 (MANE Select); coding-DNA position 2383, C replaced by T.
Protein change: p.Gln795Ter; replaces glutamine 795 with a stop codon.
Molecular consequence: nonsense.
Genome position (GRCh38, 1-based): chr1:92,002,144, C>T. VCF-style: chr1-92002144-C-T. GRCh37 (hg19) VCF-style: chr1-92467701-C-T.
Other names: c.2383C>T, p.Gln795Ter (NM_001242805.2, NM_001726.4); c.2395C>T, p.Gln799Ter (NM_001242806.2); c.2245C>T, p.Gln749Ter (NM_001242807.2, NM_001242808.2); c.2164C>T, p.Gln722Ter (NM_001242810.2); short protein forms Q722*, Q749*, Q795*, Q799*.
Identifiers: ClinVar variation 4845756 (VCV004845756.1).

ClinVar aggregate classification (germline): Likely pathogenic (1 of 4 stars; one submission).

Conditions:
Spermatogenic failure 21. Identifiers: MedGen C4539991, MONDO:0054725, OMIM 617644.

Submission:

First Genomix Gene Laboratory, Genetic Diagnostics Department
Classification: Likely pathogenic for Spermatogenic failure 21. Last evaluated: 2025-01-10. Review status: criteria provided, single submitter. Criteria: ACMG Guidelines, 2015. Collection method: clinical testing. Allele origin: germline. Inheritance: Autosomal recessive inheritance. Affected: no. Observed: 1 variant allele.